The following is an entry in ClinVar:

NM_174936.4(PCSK9):c.986C>T (p.Ser329Leu)

Gene: PCSK9 (proprotein convertase subtilisin/kexin type 9; plus strand). Cytogenetic location: 1p32.3.
Variant type: single nucleotide variant.
Coding change: c.986C>T on transcript NM_174936.4 (MANE Select); coding-DNA position 986, C replaced by T.
Protein change: p.Ser329Leu; replaces serine 329 with leucine.
Molecular consequence: missense variant. On other transcripts: non-coding transcript variant (8).
Genome position (GRCh38, 1-based): chr1:55,056,179, C>T. VCF-style: chr1-55056179-C-T. GRCh37 (hg19) VCF-style: chr1-55521852-C-T.
Other names: c.1109C>T, p.Ser370Leu (NM_001407240.1); c.986C>T, p.Ser329Leu (NM_001407241.1, NM_001407244.1, NM_001407247.1); c.989C>T, p.Ser330Leu (NM_001407242.1); c.929C>T, p.Ser310Leu (NM_001407243.1); c.794C>T, p.Ser265Leu (NM_001407245.1); c.611C>T, p.Ser204Leu (NM_001407246.1); short protein forms S204L, S265L, S310L, S329L, S330L, S370L.
Identifiers: ClinVar variation 3073980 (VCV003073980.2), dbSNP rs2523245794, ClinGen allele CA340475265.

ClinVar aggregate classification (germline): Uncertain significance. Review status: criteria provided, multiple submitters, no conflicts (2 of 4 stars). 2 submissions from 2 submitters: Uncertain significance (2). Last evaluated 2026-03-27.

Conditions:
Hypercholesterolemia, autosomal dominant, 3 (FHCL3). Also called: Familial Hypercholesterolemia, Autosomal Dominant, 3; PCSK9-Related Familial Hypercholesterolemia, Autosomal Dominant; Familial hypercholesterolemia 3. Identifiers: MedGen C1863551, MONDO:0011369, OMIM 603776.

Allele frequency attached by ClinVar (database versions not stated): gnomAD exomes 0.00001.

Submissions (2):

GeneDx
Classification: Uncertain significance. Last evaluated: 2026-03-27. Review status: criteria provided, single submitter. Criteria: GeneDx Variant Classification Process June 2021. Collection method: clinical testing. Allele origin: germline.
Comment: Not observed at significant frequency in large population cohorts (gnomAD); In silico analysis supports that this missense variant has a deleterious effect on protein structure/function; Has not been previously published as pathogenic or benign to our knowledge

All of Us Research Program, National Institutes of Health
Classification: Uncertain significance for Hypercholesterolemia, autosomal dominant, 3. Last evaluated: 2023-11-30. Review status: criteria provided, single submitter. Criteria: ACMG Guidelines, 2015. Collection method: clinical testing. Allele origin: germline. Inheritance: Autosomal dominant inheritance. Observed: 1 variant allele, 1 heterozygote.
Comment: This study involves interpretation of variants in research participants for the purpose of population health screening. Participant phenotype was not available at the time of variant classification. Additional details can be found in publication PMID: 35346344, PMCID: PMC8962531